The following is an entry in ClinVar:

NM_000435.3(NOTCH3):c.3403G>T (p.Gly1135Cys)

Gene: NOTCH3 (notch receptor 3; minus strand). Cytogenetic location: 19p13.12.
Variant type: single nucleotide variant.
Coding change: c.3403G>T on transcript NM_000435.3 (MANE Select); coding-DNA position 3403, G replaced by T.
Protein change: p.Gly1135Cys; replaces glycine 1135 with cysteine.
Molecular consequence: missense variant.
Genome position (GRCh38, 1-based): chr19:15,179,421, C>A on the plus strand (G>T on the coding strand, the complement: NOTCH3 is on the minus strand). VCF-style: chr19-15179421-C-A. GRCh37 (hg19) VCF-style: chr19-15290232-C-A.
Other names: c.3403G>T (NM_000435.2); short protein forms G1135C.
Identifiers: ClinVar variation 994112 (VCV000994112.9), dbSNP rs867379493, ClinGen allele CA305769571.

ClinVar aggregate classification (germline): Conflicting classifications of pathogenicity. Review status: criteria provided, conflicting classifications (1 of 4 stars). 2 submissions from 2 submitters: Likely pathogenic (1); Uncertain significance (1). Last evaluated 2023-12-19.

Conditions:
Inborn genetic diseases. Identifiers: MedGen C0950123, MeSH D030342.

Allele frequency attached by ClinVar (database versions not stated): gnomAD 0.00001; TOPMed 0.00001.
gnomAD v4.1: 2 of 1,614,020 alleles (0.00012%); highest among the groups gnomAD compares: African/African-American, 0.0027%; no homozygotes.

Submissions (2):

Ambry Genetics
Classification: Uncertain significance for Inborn genetic diseases. Last evaluated: 2023-12-19. Review status: criteria provided, single submitter. Criteria: Ambry Variant Classification Scheme 2023. Collection method: clinical testing. Allele origin: germline.

ARUP Laboratories, Molecular Genetics and Genomics, ARUP Laboratories
Classification: Likely pathogenic. Last evaluated: 2020-03-30. Review status: criteria provided, single submitter. Criteria: ARUP Molecular Germline Variant Investigation Process. Collection method: clinical testing. Allele origin: germline.
Comment: The NOTCH3 c.3403G>T; p.Gly1135Cys variant (rs867379493), to our knowledge, is not reported in the medical literature or gene specific databases. This variant is also absent from general population databases (Exome Variant Server, Genome Aggregation Database), indicating it is not a common polymorphism. The glycine at codon 1135 is highly conserved, occurs in an EGF-like domain, and computational analyses (SIFT, PolyPhen-2) predict that this variant is deleterious. Most pathogenic NOTCH3 variants occur in exons 2-24 and either create or destroy a cysteine residue within an EGF-like domain (Rutten 2014), and thus the p. Gly1135Cys variant is consistent with the predominant mechanism of disease in NOTCH3. Based on available information, this variant is considered to be likely pathogenic. References: Rutten JW et al. Interpretation of NOTCH3 mutations in the diagnosis of CADASIL. Expert Rev Mol Diagn. 2014 Jun;14(5):593-603.